The following is an entry in ClinVar:

NM_058195.4(CDKN2A):c.27C>G (p.Leu9=)

Gene: CDKN2A (cyclin dependent kinase inhibitor 2A; minus strand). Cytogenetic location: 9p21.3.
Variant type: single nucleotide variant.
Coding change: c.27C>G on transcript NM_058195.4 (MANE Plus Clinical); coding-DNA position 27, C replaced by G.
Protein change: p.Leu9=; no amino-acid change (leucine 9 retained).
Molecular consequence: synonymous variant. On other transcripts: intron variant (1).
Genome position (GRCh38, 1-based): chr9:21,994,305, G>C on the plus strand (C>G on the coding strand, the complement: CDKN2A is on the minus strand). VCF-style: chr9-21994305-G-C. GRCh37 (hg19) VCF-style: chr9-21994304-G-C.
Other names: c.-4+516C>G (NM_001363763.2).
Identifiers: ClinVar variation 706346 (VCV000706346.10), dbSNP rs1221654243, ClinGen allele CA464100378.

ClinVar aggregate classification (germline): Benign/Likely benign. Review status: criteria provided, multiple submitters, no conflicts (2 of 4 stars). 4 submissions from 4 submitters: Benign (1); Likely benign (3). Last evaluated 2025-08-12.

Conditions:
Melanoma-pancreatic cancer syndrome. Identifiers: Orphanet 404560, MedGen C1838547, MONDO:0011713, OMIM 606719. Disease mechanism: loss of function.
Familial melanoma. Also called: Hereditary melanoma; Hereditary cutaneous melanoma. Identifiers: Orphanet 618, MedGen C1512419, MONDO:0018961.
Hereditary cancer-predisposing syndrome. Also called: Tumor predisposition; Hereditary neoplastic syndrome; Neoplastic Syndromes, Hereditary; Hereditary Cancer Syndrome. Identifiers: Orphanet 140162, MedGen C0027672, MeSH D009386, MONDO:0015356.

Allele frequency attached by ClinVar (database versions not stated): TOPMed below 0.00001; gnomAD exomes below 0.00001.
gnomAD v4.1: 2 of 1,605,074 alleles (0.00012%); highest among the groups gnomAD compares: Non-Finnish European, 0.00017%; no homozygotes.

Submissions (4):

Myriad Genetics, Inc.
Classification: Benign for Melanoma-pancreatic cancer syndrome. Last evaluated: 2025-08-12. Review status: criteria provided, single submitter. Criteria: Myriad Autosomal Dominant, Autosomal Recessive and X-Linked Classification Criteria (2023). Collection method: clinical testing. Allele origin: unknown.
Comment: This variant is considered benign. This variant is a silent/synonymous amino acid change and it is not expected to impact splicing.

Ambry Genetics
Classification: Likely benign for Hereditary cancer-predisposing syndrome. Last evaluated: 2024-07-18. Review status: criteria provided, single submitter. Criteria: Ambry Variant Classification Scheme 2023. Collection method: clinical testing. Allele origin: germline.

Sema4
Classification: Likely benign for Hereditary cancer-predisposing syndrome. Last evaluated: 2022-03-06. Review status: criteria provided, single submitter. Criteria: Sema4 Curation Guidelines. Collection method: curation. Allele origin: germline.

Labcorp Genetics (formerly Invitae), Labcorp
Classification: Likely benign for Familial melanoma. Last evaluated: 2017-03-09. Review status: criteria provided, single submitter. Criteria: Invitae Variant Classification Sherloc (09022015). Collection method: clinical testing. Allele origin: germline.